The following is an entry in ClinVar:

ClinVar aggregate classification (germline): Likely benign (1 of 4 stars; one submission).

Submission:

CeGaT Center for Human Genetics Tuebingen
Classification: Likely benign. Last evaluated: 2024-12-01. Review status: criteria provided, single submitter. Criteria: CeGaT Center For Human Genetics Tuebingen Variant Classification Criteria Version 2. Collection method: clinical testing. Allele origin: germline. Affected: yes. Observed: 1 variant allele.
Comment: USH1C: BP4, BP7

NM_153676.4(USH1C):c.1716A>C (p.Pro572=)

Gene: USH1C (USH1 protein network component harmonin; minus strand). Cytogenetic location: 11p15.1.
Variant type: single nucleotide variant.
Coding change: c.1716A>C on transcript NM_153676.4 (MANE Select); coding-DNA position 1716, A replaced by C.
Protein change: p.Pro572=; no amino-acid change (proline 572 retained).
Molecular consequence: synonymous variant. On other transcripts: intron variant (2).
Genome position (GRCh38, 1-based): chr11:17,509,653, T>G on the plus strand (A>C on the coding strand, the complement: USH1C is on the minus strand). VCF-style: chr11-17509653-T-G. GRCh37 (hg19) VCF-style: chr11-17531200-T-G.
Other names: c.1228-7673A>C (NM_001297764.2); c.1285-7673A>C (NM_005709.4).
Identifiers: ClinVar variation 3770596 (VCV003770596.13).